The following is an entry in ClinVar:

NM_000784.4(CYP27A1):c.647-1G>A

Gene: CYP27A1 (cytochrome P450 family 27 subfamily A member 1; plus strand). Cytogenetic location: 2q35.
Variant type: single nucleotide variant.
Coding change: c.647-1G>A on transcript NM_000784.4 (MANE Select); the canonical splice acceptor site of the intron before coding-DNA position 647, G replaced by A.
Molecular consequence: splice acceptor variant.
Genome position (GRCh38, 1-based): chr2:218,812,551, G>A. VCF-style: chr2-218812551-G-A. GRCh37 (hg19) VCF-style: chr2-219677274-G-A.
Identifiers: ClinVar variation 2734394 (VCV002734394.3), dbSNP rs587778804, ClinGen allele CA350585792.

ClinVar aggregate classification (germline): Pathogenic (1 of 4 stars; one submission).

Conditions:
Cholestanol storage disease (CTX). Also called: CTX: Cerebrotendinous xanthomatosis; CEREBRAL CHOLESTERINOSIS; Cerebrotendinous Xanthomatosis. Identifiers: Orphanet 909, MedGen C0238052, MONDO:0008948, OMIM 213700.

Submission:

Labcorp Genetics (formerly Invitae), Labcorp
Classification: Pathogenic for Cholestanol storage disease. Last evaluated: 2023-06-20. Review status: criteria provided, single submitter. Criteria: Invitae Variant Classification Sherloc (09022015). Collection method: clinical testing. Allele origin: germline.
Comment: For these reasons, this variant has been classified as Pathogenic. Algorithms developed to predict the effect of sequence changes on RNA splicing suggest that this variant may disrupt the consensus splice site. Disruption of this splice site has been observed in individual(s) with cerebrotendinous xanthomatosis. (PMID: 20402754). This variant is not present in population databases (gnomAD no frequency). This sequence change affects an acceptor splice site in intron 3 of the CYP27A1 gene. It is expected to disrupt RNA splicing. Variants that disrupt the donor or acceptor splice site typically lead to a loss of protein function (PMID: 16199547), and loss-of-function variants in CYP27A1 are known to be pathogenic (PMID: 9392430, 10775536, 26937392).

Literature cited by the submitters: PubMed 20402754; PubMed 16199547; PubMed 9392430; PubMed 10775536; PubMed 26937392.